The following is an entry in ClinVar:

ClinVar aggregate classification (germline): Likely benign. Review status: criteria provided, multiple submitters, no conflicts (2 of 4 stars). 3 submissions from 3 submitters: Likely benign (3). Last evaluated 2026-07-01.

Conditions:
Epilepsy. Also called: Seizure disorder. Identifiers: MedGen C0014544, MeSH D004827, MONDO:0005027.
PIGQ-related disorder. Also called: PIGQ-related condition.

Allele frequency attached by ClinVar (database versions not stated): TOPMed 0.00001; ExAC 0.00013; 1000 Genomes Project 30x 0.00016; 1000 Genomes Project 0.00020.
gnomAD v4.1: 68 of 1,613,718 alleles (0.0042%); highest among the groups gnomAD compares: South Asian, 0.07%; no homozygotes.

Submissions (3):

PreventionGenetics, part of Exact Sciences
Classification: Likely benign for PIGQ-related condition. Last evaluated: 2026-07-01. Review status: criteria provided, single submitter. Criteria: ACMG Guidelines, 2015. Collection method: clinical testing. Allele origin: germline.
Comment: This variant is classified as likely benign based on ACMG/AMP sequence variant interpretation guidelines (Richards et al. 2015 PMID: 25741868, with internal and published modifications).

Labcorp Genetics (formerly Invitae), Labcorp
Classification: Likely benign for Epilepsy. Last evaluated: 2025-04-25. Review status: criteria provided, single submitter. Criteria: Invitae Variant Classification Sherloc (09022015). Collection method: clinical testing. Allele origin: germline.

Blueprint Genetics
Classification: Likely benign. Last evaluated: 2023-04-04. Review status: criteria provided, single submitter. Criteria: ACMG Guidelines, 2015. Collection method: clinical testing. Allele origin: germline.

NM_004204.5(PIGQ):c.1167G>T (p.Ser389=)

Gene: PIGQ (phosphatidylinositol glycan anchor biosynthesis class Q; plus strand). Cytogenetic location: 16p13.3.
Variant type: single nucleotide variant.
Coding change: c.1167G>T on transcript NM_004204.5 (MANE Select); coding-DNA position 1167, G replaced by T.
Protein change: p.Ser389=; no amino-acid change (serine 389 retained).
Molecular consequence: synonymous variant.
Genome position (GRCh38, 1-based): chr16:578,882, G>T. VCF-style: chr16-578882-G-T. GRCh37 (hg19) VCF-style: chr16-628882-G-T.
Other names: c.1167G>T (NM_004204.3); c.1167G>T, p.Ser389= (NM_148920.4).
Identifiers: ClinVar variation 1620751 (VCV001620751.10), dbSNP rs576698468, ClinGen allele CA7780136.